The following is an entry in ClinVar:

ClinVar aggregate classification (germline): Uncertain significance (1 of 4 stars; one submission).

Allele frequency attached by ClinVar (database versions not stated): gnomAD 0.00001; ExAC 0.00003.
gnomAD v4.1: 8 of 1,603,680 alleles (0.0005%); highest among the groups gnomAD compares: South Asian, 0.0056%; no homozygotes.

Submission:

Labcorp Genetics (formerly Invitae), Labcorp
Classification: Uncertain significance. Last evaluated: 2024-08-15. Review status: criteria provided, single submitter. Criteria: Invitae Variant Classification Sherloc (09022015). Collection method: clinical testing. Allele origin: germline.
Comment: This sequence change replaces glycine, which is neutral and non-polar, with arginine, which is basic and polar, at codon 404 of the MYO7A protein (p.Gly404Arg). This variant is present in population databases (rs782022331, gnomAD 0.007%). This variant has not been reported in the literature in individuals affected with MYO7A-related conditions. ClinVar contains an entry for this variant (Variation ID: 2146018). Invitae Evidence Modeling of protein sequence and biophysical properties (such as structural, functional, and spatial information, amino acid conservation, physicochemical variation, residue mobility, and thermodynamic stability) has been performed for this missense variant. However, the output from this modeling did not meet the statistical confidence thresholds required to predict the impact of this variant on MYO7A protein function. In summary, the available evidence is currently insufficient to determine the role of this variant in disease. Therefore, it has been classified as a Variant of Uncertain Significance.

NM_000260.4(MYO7A):c.1210G>A (p.Gly404Arg)

Gene: MYO7A (myosin VIIA; plus strand). Cytogenetic location: 11q13.5.
Variant type: single nucleotide variant.
Coding change: c.1210G>A on transcript NM_000260.4 (MANE Select); coding-DNA position 1210, G replaced by A.
Protein change: p.Gly404Arg; replaces glycine 404 with arginine.
Molecular consequence: missense variant.
Genome position (GRCh38, 1-based): chr11:77,160,982, G>A. VCF-style: chr11-77160982-G-A. GRCh37 (hg19) VCF-style: chr11-76872028-G-A.
Other names: c.1210G>A, p.Gly404Arg (NM_001127180.2); c.1177G>A, p.Gly393Arg (NM_001369365.1); short protein forms G404R, G393R.
Identifiers: ClinVar variation 2146018 (VCV002146018.3), dbSNP rs782022331, ClinGen allele CA6197424.